The following is an entry in ClinVar:

ClinVar aggregate classification (germline): Uncertain significance. Review status: criteria provided, single submitter (1 of 4 stars). 2 submissions from 2 submitters: Uncertain significance (1). 1 of the submissions does not count toward it. Last evaluated 2022-03-03.

Conditions:
Zellweger spectrum disorders (ZS). Also called: Zellweger Spectrum Disorder (ZSD); Zellweger Spectrum Disorder; Zellweger Spectrum; Zellweger syndrome. Identifiers: Orphanet 912, MedGen C0043459, MONDO:0019609.
Peroxisome biogenesis disorder 1A (Zellweger) (PBD1A). Also called: Peroxisome biogenesis disorder 1a; Zellweger leukodystrophy. Identifiers: MedGen C4721541, MONDO:0008953, OMIM 214100.

Submissions (2):

Labcorp Genetics (formerly Invitae), Labcorp
Classification: Uncertain significance for Zellweger spectrum disorders. Last evaluated: 2022-03-03. Review status: criteria provided, single submitter. Criteria: Invitae Variant Classification Sherloc (09022015). Collection method: clinical testing. Allele origin: germline.
Comment: In summary, the available evidence is currently insufficient to determine the role of this variant in disease. Therefore, it has been classified as a Variant of Uncertain Significance. Experimental studies and prediction algorithms are not available or were not evaluated, and the functional significance of this variant is currently unknown. ClinVar contains an entry for this variant (Variation ID: 555409). This variant has not been reported in the literature in individuals affected with PEX1-related conditions. This variant is present in population databases (rs758748151, gnomAD 0.003%). This sequence change creates a premature translational stop signal (p.Ser1270Lysfs*12) in the PEX1 gene. While this is not anticipated to result in nonsense mediated decay, it is expected to disrupt the last 14 amino acid(s) of the PEX1 protein.

Counsyl
Classification: Uncertain significance for Peroxisome biogenesis disorder 1A (Zellweger). Last evaluated: 2017-12-04. Review status: no assertion criteria provided. Collection method: clinical testing. Allele origin: unknown. Not counted in ClinVar's aggregate classification.

NM_000466.3(PEX1):c.3807_3808dup (p.Ser1270fs)

Genes: GATAD1 (GATA zinc finger domain containing 1; plus strand), PEX1 (peroxisomal biogenesis factor 1; minus strand). Cytogenetic location: 7q21.2.
Variant type: Duplication.
Coding change: c.3807_3808dup on transcript NM_000466.3 (MANE Select); coding-DNA positions 3807 to 3808, 2 bases duplicated (AA; older notation c.3807_3808dupAA).
Protein change: p.Ser1270fs; shifts the reading frame from serine 1270.
Molecular consequence: frameshift variant.
Genome position (GRCh38, 1-based): chr7:92,487,501-92,487,502, TT duplicated on the plus strand (AA on the coding strand, the reverse complement: PEX1 is on the minus strand); duplicating any 2 consecutive bases within chr7:92,487,501-92,487,503 gives the same sequence; the c. name uses the placement nearest the transcript's 3' end. VCF-style (leftmost placement, unchanged base first): chr7-92487500-C-CTT. GRCh37 (hg19) VCF-style: chr7-92116814-C-CTT.
Other names: c.3636_3637dup, p.Ser1213fs (NM_001282677.2); c.3183_3184dup, p.Ser1062fs (NM_001282678.2); c.3807_3808dupAA (NM_000466.2); short protein forms S1062fs, S1213fs, S1270fs.
Identifiers: ClinVar variation 555409 (VCV000555409.7), dbSNP rs758748151, ClinGen allele CA4340721.